The following is an entry in ClinVar:

ClinVar aggregate classification (germline): Uncertain significance (1 of 4 stars; one submission).

Submission:

GeneDx
Classification: Uncertain significance. Last evaluated: 2025-02-06. Review status: criteria provided, single submitter. Criteria: GeneDx Variant Classification Process June 2021. Collection method: clinical testing. Allele origin: germline. Affected: yes.
Comment: Not observed at significant frequency in large population cohorts (gnomAD); In silico analysis supports that this missense variant has a deleterious effect on protein structure/function and splicing; Has not been previously published as pathogenic or benign to our knowledge

NM_005559.4(LAMA1):c.5821G>A (p.Gly1941Arg)

Gene: LAMA1 (laminin subunit alpha 1; minus strand). Cytogenetic location: 18p11.31.
Variant type: single nucleotide variant.
Coding change: c.5821G>A on transcript NM_005559.4 (MANE Select); coding-DNA position 5821, G replaced by A.
Protein change: p.Gly1941Arg; replaces glycine 1941 with arginine.
Molecular consequence: missense variant.
Genome position (GRCh38, 1-based): chr18:6,982,566, C>T on the plus strand (G>A on the coding strand, the complement: LAMA1 is on the minus strand). VCF-style: chr18-6982566-C-T. GRCh37 (hg19) VCF-style: chr18-6982565-C-T.
Other names: short protein forms G1941R.
Identifiers: ClinVar variation 4074539 (VCV004074539.1).
Genomic context (GRCh38, chr18:6,982,566, plus strand): 5'-TCCTGCTGAGGTTGTTGCCTTCTTTTAGAAATCTGGAGCTGCGCTGCACGGCCGCTTTCC[C>T]GTTAGAAACAAGGGATTCTGAGAGCTGGAAAACAGAACCACTTAAGCGTGGTGAGAGCAG-3'
Protein context (NP_005550.2, residues 1931-1951): SLLSESLVSN[Gly1941Arg]KAAVQRSSRF